The following is an entry in ClinVar:

NM_001754.5(RUNX1):c.1114G>A (p.Gly372Ser)

Gene: RUNX1 (RUNX family transcription factor 1; minus strand). Cytogenetic location: 21q22.12.
Variant type: single nucleotide variant.
Coding change: c.1114G>A on transcript NM_001754.5 (MANE Select); coding-DNA position 1114, G replaced by A.
Protein change: p.Gly372Ser; replaces glycine 372 with serine.
Molecular consequence: missense variant.
Genome position (GRCh38, 1-based): chr21:34,792,464, C>T on the plus strand (G>A on the coding strand, the complement: RUNX1 is on the minus strand). VCF-style: chr21-34792464-C-T. GRCh37 (hg19) VCF-style: chr21-36164761-C-T.
Other names: NM_001754.5(RUNX1):c.1114G>A; p.Gly372Ser; c.1033G>A, p.Gly345Ser (NM_001001890.3); short protein forms G345S, G372S.
Identifiers: ClinVar variation 1521966 (VCV001521966.10), dbSNP rs2145876612, ClinGen allele CA410148073.
Genomic context (GRCh38, chr21:34,792,464, plus strand): 5'-GCGCTTGCGACGAGCCGGGGTAGGGCGGCGGCAGGTAGGTGTGGTAGCGCGTGGCCGAGC[C>T]CATGGCCGACATGCCGATGCCGATGCCCGAGGTGACCGGCGTCGGGGAGTAGGTGAAGGC-3'
Protein context (NP_001745.2, residues 362-382): SGIGIGMSAM[Gly372Ser]SATRYHTYLP

ClinVar aggregate classification (germline): Uncertain significance. Review status: reviewed by expert panel (3 of 4 stars). 3 submissions from 3 submitters: Uncertain significance (1). 2 of the submissions do not count toward it. Last evaluated 2024-07-25.

Conditions:
Hereditary thrombocytopenia and hematologic cancer predisposition syndrome. Identifiers: Orphanet 71290, MedGen CN281654, MONDO:0011071.
Hereditary thrombocytopenia and hematological cancer predisposition syndrome associated with RUNX1. Also called: Familial Platelet Disorder with Propensity to Acute Myelogenous Leukemia; Familial thrombocytopenia with propensity to acute myelogenous leukemia; PLATELET DISORDER, ASPIRIN-LIKE; RUNX1 Familial Platelet Disorder with Associated Myeloid Malignancies. Identifiers: Orphanet 71290, MedGen C1832388, MeSH C563324, MONDO:0100083, OMIM 601399.
Acute myeloid leukemia (AML). Also called: Leukemia, acute myeloid, somatic; Leukemia, acute myelogenous, somatic; Acute myeloid leukemia, adult; AML adult; Acute non-lymphocytic leukemia; Acute granulocytic leukemia. Identifiers: Orphanet 519, MedGen C0023467, MeSH D015470, MONDO:0018874, OMIM 601626, HP:0004808. Disease mechanism: Constitutively activated FLT3.

Submissions (3):

ClinGen Myeloid Malignancy Variant Curation Expert Panel
Classification: Uncertain significance for Hereditary thrombocytopenia and hematologic cancer predisposition syndrome. Last evaluated: 2024-07-25. Review status: reviewed by expert panel. Criteria: ClinGen MyeloMalig ACMG Specifications v2. Collection method: curation. Allele origin: germline. Inheritance: Autosomal dominant inheritance.
Comment: NM_001754.5(RUNX1):c.1114G>A (p.Gly372Ser) is a missense variant which is completely absent from all population databases (gnomAD v2.1.1 and v3.1.2) with at least 20x coverage for RUNX1 (PM2_supporting). It has a REVEL score of 0.22, which is below the threshold of 0.50 (BP4). In summary, the clinical significance of this variant is uncertain. ACMG/AMP criteria applied, as specified by the Myeloid Malignancy Variant Curation Expert Panel for RUNX1: BP4, PM2_supporting.

Baylor Genetics
Classification: Uncertain significance for Acute myeloid leukemia. Last evaluated: 2024-03-24. Review status: criteria provided, single submitter. Criteria: ACMG Guidelines, 2015. Collection method: clinical testing. Allele origin: unknown. Not counted in ClinVar's aggregate classification.

Labcorp Genetics (formerly Invitae), Labcorp
Classification: Uncertain significance for Hereditary thrombocytopenia and hematological cancer predisposition syndrome associated with RUNX1. Last evaluated: 2022-01-07. Review status: criteria provided, single submitter. Criteria: Invitae Variant Classification Sherloc (09022015). Collection method: clinical testing. Allele origin: germline. Not counted in ClinVar's aggregate classification.
Comment: In summary, the available evidence is currently insufficient to determine the role of this variant in disease. Therefore, it has been classified as a Variant of Uncertain Significance. Algorithms developed to predict the effect of missense changes on protein structure and function output the following: SIFT: "Tolerated"; PolyPhen-2: "Benign"; Align-GVGD: "Class C0". The serine amino acid residue is found in multiple mammalian species, which suggests that this missense change does not adversely affect protein function. This variant has not been reported in the literature in individuals affected with RUNX1-related conditions. This variant is not present in population databases (gnomAD no frequency). This sequence change replaces glycine, which is neutral and non-polar, with serine, which is neutral and polar, at codon 372 of the RUNX1 protein (p.Gly372Ser).